The following is an entry in ClinVar:

NM_002700.3(POU4F3):c.442C>T (p.His148Tyr)

Genes: POU4F3 (POU class 4 homeobox 3; plus strand), RBM27-POU4F3 (RBM27-POU4F3 readthrough; plus strand). Cytogenetic location: 5q32.
Variant type: single nucleotide variant.
Coding change: c.442C>T on transcript NM_002700.3 (MANE Select); coding-DNA position 442, C replaced by T.
Protein change: p.His148Tyr; replaces histidine 148 with tyrosine.
Molecular consequence: missense variant.
Genome position (GRCh38, 1-based): chr5:146,339,869, C>T. VCF-style: chr5-146339869-C-T. GRCh37 (hg19) VCF-style: chr5-145719432-C-T.
Other names: short protein forms H148Y.
Identifiers: ClinVar variation 351381 (VCV000351381.9), dbSNP rs761965263, ClinGen allele CA3491134.
Genomic context (GRCh38, chr5:146,339,869, plus strand): 5'-AGTGTGAGCGGCCTGGGCGCTCCGGAACACTCGGTGATGCCCGCACAGATCCATCCACAC[C>T]ACCTGGGCGCCATGGGCCACCTGCACCAGGCCATGGGCATGAGTCACCCGCACACCGTGG-3'
Protein context (NP_002691.1, residues 138-158): SVMPAQIHPH[His148Tyr]LGAMGHLHQA

ClinVar aggregate classification (germline): Uncertain significance. Review status: criteria provided, multiple submitters, no conflicts (2 of 4 stars). 3 submissions from 3 submitters: Uncertain significance (3). Last evaluated 2026-01-21.

Conditions:
Autosomal dominant nonsyndromic hearing loss 15 (DFNA15). Also called: Autosomal dominant nonsyndromic hearing loss 52; DEAFNESS, AUTOSOMAL DOMINANT 52. Identifiers: Orphanet 90635, MedGen C1865366, MONDO:0011226, OMIM 602459.
Inborn genetic diseases. Identifiers: MedGen C0950123, MeSH D030342.

Allele frequency attached by ClinVar (database versions not stated): gnomAD 0.00001; TOPMed 0.00001; gnomAD exomes 0.00002; ExAC 0.00003.

Submissions (3):

Ambry Genetics
Classification: Uncertain significance for Inborn genetic diseases. Last evaluated: 2026-01-21. Review status: criteria provided, single submitter. Criteria: Ambry Variant Classification Scheme 2023. Collection method: clinical testing. Allele origin: germline.
Comment: The c.442C>T (p.H148Y) alteration is located in exon 2 (coding exon 2) of the POU4F3 gene. This alteration results from a C to T substitution at nucleotide position 442, causing the histidine (H) at amino acid position 148 to be replaced by a tyrosine (Y). Based on data from gnomAD, the T allele has an overall frequency of 0.002% (6/246144) total alleles studied. The highest observed frequency was 0.006% (1/16128) of African alleles. Based on insufficient or conflicting evidence, the clinical significance of this alteration remains unclear.

GeneDx
Classification: Uncertain significance. Last evaluated: 2022-01-11. Review status: criteria provided, single submitter. Criteria: GeneDx Variant Classification Process June 2021. Collection method: clinical testing. Allele origin: germline. Affected: yes.
Comment: In silico analysis supports that this missense variant has a deleterious effect on protein structure/function; Has not been previously published as pathogenic or benign to our knowledge

Illumina Laboratory Services, Illumina
Classification: Uncertain significance for Autosomal dominant nonsyndromic hearing loss 15. Last evaluated: 2018-01-13. Review status: criteria provided, single submitter. Criteria: ICSL Variant Classification Criteria 13 December 2019. Collection method: clinical testing. Allele origin: germline.